The following is an entry in ClinVar:

ClinVar aggregate classification (germline): Pathogenic (1 of 4 stars; one submission).

Conditions:
Neurometabolic disorder due to serine deficiency. Identifiers: Orphanet 35705, MedGen C5680148, MONDO:0018162.

Submission:

Myriad Genetics, Inc.
Classification: Pathogenic for Neurometabolic disorder due to serine deficiency. Last evaluated: 2024-05-14. Review status: criteria provided, single submitter. Criteria: Myriad Autosomal Dominant, Autosomal Recessive and X-Linked Classification Criteria (2023). Collection method: clinical testing. Allele origin: unknown.
Comment: NM_006623.3(PHGDH):c.891_892insCGTC(E298Rfs*98) is expected to be pathogenic in the context of serine deficiency disorder, PHGDH-related. This variant is predicted to lead to an abnormal or absent protein product due to the creation of a premature termination codon in PHGDH, a gene where loss-of-function variants are known to be pathogenic. Please note: this variant was assessed in the context of healthy population screening.

NM_006623.4(PHGDH):c.891_892insCGTC (p.Glu298fs)

Gene: PHGDH (phosphoglycerate dehydrogenase; plus strand). Cytogenetic location: 1p12.
Variant type: Insertion.
Coding change: c.891_892insCGTC on transcript NM_006623.4 (MANE Select); coding-DNA positions 891 to 892, CGTC inserted.
Protein change: p.Glu298fs; shifts the reading frame from glutamic acid 298.
Molecular consequence: frameshift variant.
Genome position: GRCh38 VCF-style: chr1-119737212-G-GCGTC. GRCh37 (hg19) VCF-style: chr1-120279835-G-GCGTC.
Other names: short protein forms E298fs.
Identifiers: ClinVar variation 5010976 (VCV005010976.1).